The following is an entry in ClinVar:

NM_001127178.3(PIGG):c.1923dup (p.Thr642fs)

Gene: PIGG (phosphatidylinositol glycan anchor biosynthesis class G (EMM blood group); plus strand). Cytogenetic location: 4p16.3.
Variant type: Duplication.
Coding change: c.1923dup on transcript NM_001127178.3 (MANE Select); coding-DNA position 1923, one base duplicated (T; older notation c.1923dupT).
Protein change: p.Thr642fs; shifts the reading frame from threonine 642.
Molecular consequence: frameshift variant. On other transcripts: non-coding transcript variant (6).
Genome position (GRCh38, 1-based): chr4:523,767, T duplicated. VCF-style (leftmost placement, unchanged base first): chr4-523766-C-CT. GRCh37 (hg19) VCF-style: chr4-517555-C-CT.
Other names: c.1656dup, p.Thr553fs (NM_001289051.2, NM_001345986.2); c.1524dup, p.Thr509fs (NM_001289052.2); c.1632dup, p.Thr545fs (NM_001345987.2); c.894dup, p.Thr299fs (NM_001345988.2); c.390dup, p.Thr131fs (NM_001345990.2, NM_001345991.2); c.825dup, p.Thr276fs (NM_001345994.2); c.1899dup, p.Thr634fs (NM_017733.5); short protein forms T276fs, T509fs, T634fs, T642fs, T553fs, T299fs, T131fs, T545fs.
Identifiers: ClinVar variation 1453903 (VCV001453903.6), dbSNP rs2108968160, ClinGen allele CA2573137506.
Genomic context (GRCh38, chr4:523,766, plus strand): 5'-CGTGGCAGGACGGGCCTGGCTGTGATGTCCTGGAGCGAGACAAAGGCCACGGAAGCCCCT[C>CT]TACCTCCGAAGTGCTCAGAGGCCGCGAGAAGTGGATGGTGCTGGCCAGTCCGTGGCTAAT-3'

ClinVar aggregate classification (germline): Pathogenic (1 of 4 stars; one submission).

Conditions:
Intellectual disability, autosomal recessive 53 (NEDHSCA). Also called: GLYCOSYLPHOSPHATIDYLINOSITOL BIOSYNTHESIS DEFECT 13; Mental retardation, autosomal recessive 53; NEURODEVELOPMENTAL DISORDER WITH OR WITHOUT HYPOTONIA, SEIZURES, AND CEREBELLAR ATROPHY. Identifiers: Orphanet 488635, MedGen C4310794, MONDO:0014832, OMIM 616917.

Submission:

Labcorp Genetics (formerly Invitae), Labcorp
Classification: Pathogenic for Intellectual disability, autosomal recessive 53. Last evaluated: 2021-04-03. Review status: criteria provided, single submitter. Criteria: Invitae Variant Classification Sherloc (09022015). Collection method: clinical testing. Allele origin: germline.
Comment: For these reasons, this variant has been classified as Pathogenic. This variant has not been reported in the literature in individuals with PIGG-related conditions. This variant is not present in population databases (ExAC no frequency). This sequence change creates a premature translational stop signal (p.Thr642Tyrfs*42) in the PIGG gene. It is expected to result in an absent or disrupted protein product. Loss-of-function variants in PIGG are known to be pathogenic (PMID: 26996948, 28581210, 28771251).

Literature cited by the submitters: PubMed 26996948; PubMed 28581210; PubMed 28771251.